The following is an entry in ClinVar:

ClinVar aggregate classification (germline): Uncertain significance (1 of 4 stars; one submission).

Conditions:
Gorlin syndrome. Also called: Nevoid Basal Cell Carcinoma Syndrome; Basal cell nevus syndrome. Identifiers: Orphanet 377, MedGen C0004779, MONDO:0007187.

Submission:

Labcorp Genetics (formerly Invitae), Labcorp
Classification: Uncertain significance for Gorlin syndrome. Last evaluated: 2018-03-19. Review status: criteria provided, single submitter. Criteria: Invitae Variant Classification Sherloc (09022015). Collection method: clinical testing. Allele origin: germline.
Comment: In summary, the available evidence is currently insufficient to determine the role of this variant in disease. Therefore, it has been classified as a Variant of Uncertain Significance. Algorithms developed to predict the effect of missense changes on protein structure and function (SIFT, PolyPhen-2, Align-GVGD) all suggest that this variant is likely to be tolerated, but these predictions have not been confirmed by published functional studies and their clinical significance is uncertain. This variant has not been reported in the literature in individuals with PTCH2-related disease. This variant is not present in population databases (ExAC no frequency). This sequence change replaces alanine with glutamic acid at codon 22 of the PTCH2 protein (p.Ala22Glu). The alanine residue is weakly conserved and there is a moderate physicochemical difference between alanine and glutamic acid.

NM_003738.5(PTCH2):c.65C>A (p.Ala22Glu)

Gene: PTCH2 (patched 2; minus strand). Cytogenetic location: 1p34.1.
Variant type: single nucleotide variant.
Coding change: c.65C>A on transcript NM_003738.5 (MANE Select); coding-DNA position 65, C replaced by A.
Protein change: p.Ala22Glu; replaces alanine 22 with glutamic acid.
Molecular consequence: missense variant.
Genome position (GRCh38, 1-based): chr1:44,842,868, G>T on the plus strand (C>A on the coding strand, the complement: PTCH2 is on the minus strand). VCF-style: chr1-44842868-G-T. GRCh37 (hg19) VCF-style: chr1-45308540-G-T.
Other names: c.65C>A, p.Ala22Glu (NM_001166292.2); short protein forms A22E.
Identifiers: ClinVar variation 1002320 (VCV001002320.9), dbSNP rs1654015404, ClinGen allele CA340111202.
Genomic context (GRCh38, chr1:44,842,868, plus strand): 5'-AGTGACAGACCTGGCTCCGCTCTCTTCCTTCTTCCAGCTCCCCCTCTACTCACCTGGGGT[G>T]CTGCGGTTCGAGCTGGGGGTGTGTAACTCGGGGGCAGCTCTCTGAGGGGCGGCGATCGAG-3'
Protein context (NP_003729.3, residues 12-32): PSYTPPARTA[Ala22Glu]PQILAGSLKA